The following is an entry in ClinVar:

NM_001127511.3(APC):c.165+15A>G

Gene: APC (APC regulator of Wnt signaling pathway; plus strand). Cytogenetic location: 5q22.2.
Variant type: single nucleotide variant.
Coding change: c.165+15A>G on transcript NM_001127511.3; 15 bases into the intron after coding-DNA position 165, A replaced by G.
Molecular consequence: intron variant.
Genome position (GRCh38, 1-based): chr5:112,707,897, A>G. VCF-style: chr5-112707897-A-G. GRCh37 (hg19) VCF-style: chr5-112043594-A-G.
Other names: c.-19+15A>G (NM_001407469.1, NM_001407447.1, NM_001354895.2 and 3 more transcripts); c.165+15A>G (NM_001407446.1, NM_001354897.2, NM_001354902.2); c.-19+248A>G (NM_001407448.1, NM_001407450.1, NM_001407457.1 and 1 more transcripts); c.-43+248A>G (NM_001407453.1); c.-1054+15A>G (NM_001407470.1, NM_001407472.1).
Identifiers: ClinVar variation 1026010 (VCV001026010.10), dbSNP rs1750619444, ClinGen allele CA1573442823.

ClinVar aggregate classification (germline): Uncertain significance (1 of 4 stars; one submission).

Conditions:
Familial adenomatous polyposis 1 (FAP1). Also called: FAMILIAL ADENOMATOUS POLYPOSIS 1, ATTENUATED; POLYPOSIS, ADENOMATOUS INTESTINAL. Identifiers: MedGen C2713442, MONDO:0021056, OMIM 175100. Disease mechanism: loss of function.

gnomAD v4.1: 2 of 1,361,790 alleles (0.00015%); highest among the groups gnomAD compares: Non-Finnish European, 0.00019%; no homozygotes.

Submission:

Labcorp Genetics (formerly Invitae), Labcorp
Classification: Uncertain significance for Familial adenomatous polyposis 1. Last evaluated: 2024-05-13. Review status: criteria provided, single submitter. Criteria: Invitae Variant Classification Sherloc (09022015). Collection method: clinical testing. Allele origin: germline.
Comment: This variant occurs in a non-coding region of the APC gene. It does not change the encoded amino acid sequence of the APC protein. This variant is not present in population databases (gnomAD no frequency). This variant has not been reported in the literature in individuals affected with APC-related conditions. Experimental studies and prediction algorithms are not available or were not evaluated, and the functional significance of this variant is currently unknown. In summary, the available evidence is currently insufficient to determine the role of this variant in disease. Therefore, it has been classified as a Variant of Uncertain Significance.